The following is an entry in ClinVar:

NM_001102564.3(IFT43):c.531C>G (p.Asp177Glu)

Gene: IFT43 (intraflagellar transport 43; plus strand). Cytogenetic location: 14q24.3.
Variant type: single nucleotide variant.
Coding change: c.531C>G on transcript NM_001102564.3 (MANE Select); coding-DNA position 531, C replaced by G.
Protein change: p.Asp177Glu; replaces aspartic acid 177 with glutamic acid.
Molecular consequence: missense variant. On other transcripts: non-coding transcript variant (2).
Genome position (GRCh38, 1-based): chr14:76,083,481, C>G. VCF-style: chr14-76083481-C-G. GRCh37 (hg19) VCF-style: chr14-76549824-C-G.
Other names: c.546C>G, p.Asp182Glu (NM_052873.3); short protein forms D177E, D182E.
Identifiers: ClinVar variation 1315238 (VCV001315238.2), dbSNP rs2140102147, ClinGen allele CA390474699.

ClinVar aggregate classification (germline): Uncertain significance (1 of 4 stars; one submission).

Submission:

GeneDx
Classification: Uncertain significance. Last evaluated: 2020-02-26. Review status: criteria provided, single submitter. Criteria: GeneDx Variant Classification Process June 2021. Collection method: clinical testing. Allele origin: germline. Affected: yes.
Comment: Not observed in large population cohorts (Lek et al., 2016); In silico analysis supports that this missense variant has a deleterious effect on protein structure/function; Has not been previously published as pathogenic or benign to our knowledge